The following is an entry in ClinVar:

ClinVar aggregate classification (germline): Benign. Review status: criteria provided, multiple submitters, no conflicts (2 of 4 stars). 19 submissions from 15 submitters: Benign (15). 4 of the submissions do not count toward it. Last evaluated 2026-02-04.

Conditions:
Malignant hyperthermia, susceptibility to, 1 (MHS1). Also called: Malignant hyperthermia suceptibility 1; Anesthesia related hyperthermia; Malignant hyperpyrexia; Fulminating hyperpyrexia; Pharmacogenic myopathy; RYR1-Related Malignant Hyperthermia Susceptibility. Identifiers: Orphanet 423, MedGen C2930980, MONDO:0007783, OMIM 145600.
Congenital multicore myopathy with external ophthalmoplegia (CMYO1B). Also called: MULTIMINICORE DISEASE WITH EXTERNAL OPHTHALMOPLEGIA; MULTICORE MYOPATHY; Minicore myopathy with external ophthalmoplegia; Congenital myopathy 1B, autosomal recessive; Minicore myopathy. Identifiers: Orphanet 598, Orphanet 98905, MedGen C1850674, MONDO:0009712, OMIM 255320, HP:0003789.
Central core myopathy (CMYO1A). Also called: CONGENITAL MYOPATHY 1A, AUTOSOMAL DOMINANT, WITH SUSCEPTIBILITY TO MALIGNANT HYPERTHERMIA; Central core disease; Myopathy, central fibrillar. Identifiers: Orphanet 597, MedGen C5830701, MONDO:0007294, OMIM 117000.
RYR1-related disorder. Also called: RYR1-related condition; RYR1-related disorders. Identifiers: MedGen CN239331.
King Denborough syndrome (KDS). Identifiers: MedGen C1840365, MONDO:0020485, OMIM 619542.

Allele frequency attached by ClinVar (database versions not stated): gnomAD exomes 0.21409; ESP Exome Variant Server 0.22105; ExAC 0.22205; gnomAD 0.23229 and 0.23284; TOPMed 0.23884; 1000 Genomes Project 0.26038; 1000 Genomes Project 30x 0.26483.
gnomAD v4.1: 296,627 of 1,610,936 alleles (18%); highest among the groups gnomAD compares: African/African-American, 34%; 29,684 homozygotes.

Submissions (19):

Labcorp Genetics (formerly Invitae), Labcorp
Classification: Benign for RYR1-related disorder. Last evaluated: 2026-02-04. Review status: criteria provided, single submitter. Criteria: Invitae Variant Classification Sherloc (09022015). Collection method: clinical testing. Allele origin: germline.

Blueprint Genetics
Classification: Benign. Last evaluated: 2024-11-28. Review status: criteria provided, single submitter. Criteria: ACMG Guidelines, 2015. Collection method: clinical testing. Allele origin: germline.

Genome-Nilou Lab
Classification: Benign for Central core myopathy. Last evaluated: 2021-11-07. Review status: criteria provided, single submitter. Criteria: ACMG Guidelines, 2015. Collection method: clinical testing. Allele origin: germline. Affected: no.

Genome-Nilou Lab
Classification: Benign for King Denborough syndrome. Last evaluated: 2021-11-07. Review status: criteria provided, single submitter. Criteria: ACMG Guidelines, 2015. Collection method: clinical testing. Allele origin: germline. Affected: no.

Genome-Nilou Lab
Classification: Benign for Congenital multicore myopathy with external ophthalmoplegia. Last evaluated: 2021-11-07. Review status: criteria provided, single submitter. Criteria: ACMG Guidelines, 2015. Collection method: clinical testing. Allele origin: germline. Affected: no.

PreventionGenetics, part of Exact Sciences
Classification: Benign. Last evaluated: 2018-04-03. Review status: criteria provided, single submitter. Criteria: ACMG Guidelines, 2015. Collection method: clinical testing. Allele origin: germline.

Illumina Laboratory Services, Illumina
Classification: Benign for Malignant hyperthermia, susceptibility to, 1. Last evaluated: 2018-01-13. Review status: criteria provided, single submitter. Criteria: ICSL Variant Classification Criteria 13 December 2019. Collection method: clinical testing. Allele origin: germline.
Comment: This variant was observed in the ICSL laboratory as part of a predisposition screen in an ostensibly healthy population. It had not been previously curated by ICSL or reported in the Human Gene Mutation Database (HGMD: prior to June 1st, 2018), and was therefore a candidate for classification through an automated scoring system. Utilizing variant allele frequency, disease prevalence and penetrance estimates, and inheritance mode, an automated score was calculated to assess if this variant is too frequent to cause the disease. Based on the score and internal cut-off values, a variant classified as benign is not then subjected to further curation. The score for this variant resulted in a classification of benign for this disease.

Illumina Laboratory Services, Illumina
Classification: Benign for Central core myopathy. Last evaluated: 2018-01-13. Review status: criteria provided, single submitter. Criteria: ICSL Variant Classification Criteria 13 December 2019. Collection method: clinical testing. Allele origin: germline.
Comment: the same text as in the submission from Illumina Laboratory Services, Illumina above.

Illumina Laboratory Services, Illumina
Classification: Benign for Congenital multicore myopathy with external ophthalmoplegia. Last evaluated: 2018-01-13. Review status: criteria provided, single submitter. Criteria: ICSL Variant Classification Criteria 13 December 2019. Collection method: clinical testing. Allele origin: germline.
Comment: the same text as in the submission from Illumina Laboratory Services, Illumina above.

Mayo Clinic Laboratories, Mayo Clinic
Classification: Benign. Last evaluated: 2017-10-02. Review status: criteria provided, single submitter. Criteria: ACMG Guidelines, 2015. Collection method: clinical testing. Allele origin: germline. Observed: 292 variant alleles.

GeneDx
Classification: Benign. Last evaluated: 2016-01-22. Review status: criteria provided, single submitter. Criteria: GeneDx Variant Classification (06012015). Collection method: clinical testing. Allele origin: germline. Affected: yes.
Comment: This variant is considered likely benign or benign based on one or more of the following criteria: it is a conservative change, it occurs at a poorly conserved position in the protein, it is predicted to be benign by multiple in silico algorithms, and/or has population frequency not consistent with disease.

Laboratory for Molecular Medicine, Mass General Brigham Personalized Medicine
Classification: Benign. Last evaluated: 2015-01-13. Review status: criteria provided, single submitter. Criteria: LMM Criteria. Collection method: clinical testing. Allele origin: germline. Observed: 2 variant alleles.
Comment: c.7614+10C>G in intron 47 of RYR1: This variant is not expected to have clinical significance because it is not located within the conserved splice consensus se quence. It has been identified in 33.2% (1463/4406) of African American chromoso mes from a broad population by the NHLBI Exome Sequencing Project (.; dbSNP rs2960323).

Eurofins Ntd Llc (ga)
Classification: Benign. Last evaluated: 2014-06-06. Review status: criteria provided, single submitter. Criteria: EGL Classification Definitions 2015. Collection method: clinical testing. Allele origin: germline. Observed: 18 variant alleles, 17 heterozygotes, 1 homozygote.

Genetic Services Laboratory, University of Chicago
Classification: Benign. Last evaluated: 2013-02-08. Review status: criteria provided, single submitter. Criteria: ACMG Guidelines, 2007. Collection method: clinical testing. Allele origin: germline. Inheritance: Autosomal unknown.

Breakthrough Genomics
Classification: Benign. Review status: criteria provided, single submitter. Criteria: ACMG Guidelines, 2015. Collection method: not provided. Allele origin: germline. Inheritance: Autosomal recessive inheritance. Affected: yes.

Clinical Genetics, Academic Medical Center
Classification: Benign. Review status: no assertion criteria provided. Collection method: clinical testing. Allele origin: germline. Affected: yes. Study: VKGL Data-share Consensus. Not counted in ClinVar's aggregate classification.

Department of Pathology and Laboratory Medicine, Sinai Health System
Classification: Uncertain significance. Review status: no assertion criteria provided. Collection method: clinical testing. Allele origin: unknown. Affected: yes. Study: The Canadian Open Genetics Repository (COGR). Not counted in ClinVar's aggregate classification.
Comment: Allele frequency is common in at least one population database (frequency: 36.177% in ExAC) based on the frequency threshold of 2.223% for this gene. Variant was observed in a homozygous state in population databases more than expected for disease. 9 reputable source/s reports the variant as benign, but the evidence is not available to the laboratory to perform an independent evaluation.

Joint Genome Diagnostic Labs from Nijmegen and Maastricht, Radboudumc and MUMC+
Classification: Benign. Review status: no assertion criteria provided. Collection method: clinical testing. Allele origin: germline. Affected: yes. Study: VKGL Data-share Consensus. Not counted in ClinVar's aggregate classification.

RYR1 database
No classification provided. Review status: no classification provided. Collection method: not provided. Allele origin: unknown. Not counted in ClinVar's aggregate classification.

NM_000540.3(RYR1):c.7614+10C>G

Gene: RYR1 (ryanodine receptor 1; plus strand). Cytogenetic location: 19q13.2.
Variant type: single nucleotide variant.
Coding change: c.7614+10C>G on transcript NM_000540.3 (MANE Select); 10 bases into the intron after coding-DNA position 7614, C replaced by G.
Molecular consequence: intron variant.
Genome position (GRCh38, 1-based): chr19:38,501,000, C>G. VCF-style: chr19-38501000-C-G. GRCh37 (hg19) VCF-style: chr19-38991640-C-G.
Other names: p.?; c.7614+10C>G (NM_001042723.2).
Identifiers: ClinVar variation 93289 (VCV000093289.35), dbSNP rs2960323, ClinGen allele CA024833.